The following is an entry in ClinVar:

ClinVar aggregate classification (germline): Uncertain significance. Review status: criteria provided, multiple submitters, no conflicts (2 of 4 stars). 2 submissions from 2 submitters: Uncertain significance (2). Last evaluated 2025-12-10.

gnomAD v4.1: 107 of 1,572,216 alleles (0.0068%); highest among the groups gnomAD compares: Non-Finnish European, 0.0085%; no homozygotes.

Submissions (2):

Ambry Genetics
Classification: Uncertain significance. Last evaluated: 2025-12-10. Review status: criteria provided, single submitter. Criteria: Ambry Variant Classification Scheme 2023. Collection method: clinical testing. Allele origin: germline.

Labcorp Genetics (formerly Invitae), Labcorp
Classification: Uncertain significance. Last evaluated: 2025-12-03. Review status: criteria provided, single submitter. Criteria: Invitae Variant Classification Sherloc (09022015). Collection method: clinical testing. Allele origin: germline.
Comment: This sequence change replaces aspartic acid, which is acidic and polar, with glutamic acid, which is acidic and polar, at codon 85 of the NDUFA11 protein (p.Asp85Glu). This variant is present in population databases (rs746264059, gnomAD 0.008%). This variant has not been reported in the literature in individuals affected with NDUFA11-related conditions. ClinVar contains an entry for this variant (Variation ID: 1910528). An algorithm developed to predict the effect of missense changes on protein structure and function (PolyPhen-2) suggests that this variant is likely to be disruptive. In summary, the available evidence is currently insufficient to determine the role of this variant in disease. Therefore, it has been classified as a Variant of Uncertain Significance.

NM_175614.5(NDUFA11):c.255C>A (p.Asp85Glu)

Gene: NDUFA11 (NADH:ubiquinone oxidoreductase subunit A11; minus strand). Cytogenetic location: 19p13.3.
Variant type: single nucleotide variant.
Coding change: c.255C>A on transcript NM_175614.5 (MANE Select); coding-DNA position 255, C replaced by A.
Protein change: p.Asp85Glu; replaces aspartic acid 85 with glutamic acid.
Molecular consequence: missense variant. On other transcripts: non-coding transcript variant (1).
Genome position (GRCh38, 1-based): chr19:5,896,511, G>T on the plus strand (C>A on the coding strand, the complement: NDUFA11 is on the minus strand). VCF-style: chr19-5896511-G-T. GRCh37 (hg19) VCF-style: chr19-5896522-G-T.
Other names: c.255C>A (NM_001193375.1); c.255C>A, p.Asp85Glu (NM_001193375.3); short protein forms D85E.
Identifiers: ClinVar variation 1910528 (VCV001910528.6), dbSNP rs746264059, ClinGen allele CA9118961.